The following is an entry in ClinVar:

ClinVar aggregate classification (germline): Pathogenic (1 of 4 stars; one submission).

Conditions:
Hereditary breast ovarian cancer syndrome. Also called: BRCA1- and BRCA2-Associated Hereditary Breast and Ovarian Cancer; Breast and ovarian cancer; Hereditary breast and ovarian cancer syndrome; Hereditary breast and ovarian cancer syndrome (HBOC); Hereditary breast and/or ovarian cancer syndrome; Hereditary breast and ovarian cancer. Identifiers: Orphanet 145, MedGen C0677776, MeSH D061325, MONDO:0003582. Disease mechanism: loss of function.

Submission:

Labcorp Genetics (formerly Invitae), Labcorp
Classification: Pathogenic for Hereditary breast ovarian cancer syndrome. Last evaluated: 2025-09-08. Review status: criteria provided, single submitter. Criteria: Invitae Variant Classification Sherloc (09022015). Collection method: clinical testing. Allele origin: germline.
Comment: This sequence change creates a premature translational stop signal (p.Asn1835Lysfs*2) in the BRCA2 gene. It is expected to result in an absent or disrupted protein product. Loss-of-function variants in BRCA2 are known to be pathogenic (PMID: 20104584). This variant is not present in population databases (gnomAD no frequency). This premature translational stop signal has been observed in individual(s) with breast cancer (PMID: 33461583, 35864222). For these reasons, this variant has been classified as Pathogenic.

Literature cited by the submitters: PubMed 20104584; PubMed 33461583; PubMed 35864222.

NM_000059.4(BRCA2):c.5504dup (p.Asn1835fs)

Gene: BRCA2 (BRCA2 DNA repair associated; plus strand). Cytogenetic location: 13q13.1.
Variant type: Duplication.
Coding change: c.5504dup on transcript NM_000059.4 (MANE Select); coding-DNA position 5504, one base duplicated (A; older notation c.5504dupA).
Protein change: p.Asn1835fs; shifts the reading frame from asparagine 1835.
Molecular consequence: frameshift variant. On other transcripts: non-coding transcript variant (1), intron variant (2).
Genome position (GRCh38, 1-based): chr13:32,339,859, A duplicated; the last of 2 consecutive A bases (chr13:32,339,858-32,339,859); duplicating either gives the same sequence. VCF-style (leftmost placement, unchanged base first): chr13-32339857-T-TA. GRCh37 (hg19) VCF-style: chr13-32913994-T-TA.
Other names: c.5504dup, p.Asn1835fs (NM_001406719.1, NM_001406720.1, NM_001432077.1); c.1910-4699dup (NM_001406721.1); c.425-4699dup (NM_001406722.1); short protein forms N1835fs.
Identifiers: ClinVar variation 4710783 (VCV004710783.1).
Genomic context (GRCh38, chr13:32,339,857, plus strand): 5'-GACTAGCTCTTCACCCTGCAAAAATAAAAATGCAGCCATTAAATTGTCCATATCTAATAG[T>TA]AATAATTTTGAGGTAGGGCCACCTGCATTTAGGATAGCCAGTGGTAAAATCGTTTGTGTT-3'